The following is an entry in ClinVar:

ClinVar aggregate classification (germline): Uncertain significance (1 of 4 stars; one submission).

Conditions:
Ehlers-Danlos syndrome, type 4 (EDSVASC). Also called: Ehlers-Danlos Syndrome Type IV; Ehlers-Danlos syndrome vascular type; Ehlers Danlos syndrome, ecchymotic type; Ehlers Danlos syndrome, arterial type; Ehlers Danlos syndrome, Sack-Barabas type. Identifiers: Orphanet 286, MedGen C0268338, MONDO:0017314, OMIM 130050.

Submission:

All of Us Research Program, National Institutes of Health
Classification: Uncertain significance for Ehlers-Danlos syndrome, type 4. Last evaluated: 2023-05-16. Review status: criteria provided, single submitter. Criteria: ACMG Guidelines, 2015. Collection method: clinical testing. Allele origin: germline. Inheritance: Autosomal dominant inheritance. Observed: 1 variant allele, 1 heterozygote.
Comment: This missense variant replaces glutamine with glutamic acid at codon 37 of the COL3A1 protein. Computational prediction suggests that this variant may not impact protein structure and function (internally defined REVEL score threshold <= 0.5, PMID: 27666373). To our knowledge, functional studies have not been reported for this variant. This variant has not been reported in individuals affected with COL3A1-related disorders in the literature. This variant has not been identified in the general population by the Genome Aggregation Database (gnomAD). The available evidence is insufficient to determine the role of this variant in disease conclusively. Therefore, this variant is classified as a Variant of Uncertain Significance.

This study involves interpretation of variants in research participants for the purpose of population health screening. Participant phenotype was not available at the time of variant classification. Additional details can be found in publication PMID: 35346344, PMCID: PMC8962531

NM_000090.4(COL3A1):c.109C>G (p.Gln37Glu)

Gene: COL3A1 (collagen type III alpha 1 chain; plus strand). Cytogenetic location: 2q32.2.
Variant type: single nucleotide variant.
Coding change: c.109C>G on transcript NM_000090.4 (MANE Select); coding-DNA position 109, C replaced by G.
Protein change: p.Gln37Glu; replaces glutamine 37 with glutamic acid.
Molecular consequence: missense variant.
Genome position (GRCh38, 1-based): chr2:188,984,789, C>G. VCF-style: chr2-188984789-C-G. GRCh37 (hg19) VCF-style: chr2-189849515-C-G.
Other names: short protein forms Q37E.
Identifiers: ClinVar variation 3071255 (VCV003071255.1), dbSNP rs2469105633, ClinGen allele CA349846866.